The following is an entry in ClinVar:

ClinVar aggregate classification (germline): Likely pathogenic. Review status: criteria provided, single submitter (1 of 4 stars). 2 submissions from 2 submitters: Likely pathogenic (1). 1 of the submissions does not count toward it. Last evaluated 2026-01-23.

Conditions:
Diabetes insipidus, nephrogenic, X-linked. Also called: Nephrogenic Diabetes Insipidus, Type I. Identifiers: Orphanet 223, MedGen C1563705, MONDO:0010581, OMIM 304800.

Submissions (2):

GeneDx
Classification: Likely pathogenic. Last evaluated: 2026-01-23. Review status: criteria provided, single submitter. Criteria: GeneDx Variant Classification Process June 2021. Collection method: clinical testing. Allele origin: germline.
Comment: Published functional studies demonstrate a damaging effect, including no binding activity (PMID: 10648821); Not observed at significant frequency in large population cohorts (gnomAD); In silico analysis suggests that this missense variant does not alter protein structure/function; This variant is associated with the following publications: (PMID: 26600856, 11116139, 1303271, 10648821)

OMIM
Classification: Pathogenic for DIABETES INSIPIDUS, NEPHROGENIC, 1, X-LINKED. Last evaluated: 1992-10-01. Review status: no assertion criteria provided. Collection method: literature only. Allele origin: germline. Not counted in ClinVar's aggregate classification.

Literature cited by the submitters: PubMed 1303271 (cited by OMIM).

NM_000054.7(AVPR2):c.553G>T (p.Gly185Cys)

Gene: AVPR2 (arginine vasopressin receptor 2; plus strand). Cytogenetic location: Xq28.
Variant type: single nucleotide variant.
Coding change: c.553G>T on transcript NM_000054.7 (MANE Select); coding-DNA position 553, G replaced by T.
Protein change: p.Gly185Cys; replaces glycine 185 with cysteine.
Molecular consequence: missense variant. On other transcripts: non-coding transcript variant (1).
Genome position (GRCh38, 1-based): chrX:153,906,059, G>T. VCF-style: chrX-153906059-G-T. GRCh37 (hg19) VCF-style: chrX-153171513-G-T.
Other names: c.553G>T, p.Gly185Cys (NM_001146151.3); c.553G>T (NM_000054.4); short protein forms G185C.
Identifiers: ClinVar variation 10837 (VCV000010837.3), dbSNP rs104894748, ClinGen allele CA255564.